The following is an entry in ClinVar:

ClinVar aggregate classification (germline): Conflicting classifications of pathogenicity. Review status: criteria provided, conflicting classifications (1 of 4 stars). 3 submissions from 3 submitters: Uncertain significance (1); Likely benign (1). 1 of the submissions does not count toward it. Last evaluated 2024-06-26.

Conditions:
Inborn genetic diseases. Identifiers: MedGen C0950123, MeSH D030342.

Allele frequency attached by ClinVar (database versions not stated): gnomAD 0.00001; gnomAD exomes 0.00001; ExAC 0.00006.
gnomAD v4.1: 27 of 1,613,394 alleles (0.0017%); highest among the groups gnomAD compares: South Asian, 0.022%; no homozygotes.

Submissions (3):

Ambry Genetics
Classification: Uncertain significance for Inborn genetic diseases. Last evaluated: 2024-06-26. Review status: criteria provided, single submitter. Criteria: Ambry Variant Classification Scheme 2023. Collection method: clinical testing. Allele origin: germline.

Labcorp Genetics (formerly Invitae), Labcorp
Classification: Likely benign. Last evaluated: 2023-11-06. Review status: criteria provided, single submitter. Criteria: Invitae Variant Classification Sherloc (09022015). Collection method: clinical testing. Allele origin: germline.

Genetic Services Laboratory, University of Chicago
Classification: Uncertain significance. Last evaluated: 2022-05-09. Review status: no assertion criteria provided. Collection method: clinical testing. Allele origin: germline. Affected: no. Not counted in ClinVar's aggregate classification.
Comment: DNA sequence analysis of the LEPR gene demonstrated a sequence change, c.893T>C, in exon 8 that results in an amino acid change, p.Ile298Thr. This sequence change does not appear to have been previously described in individuals with LEPR-related disorders. This sequence change has been described in the gnomAD database with a frequency of 0.036% in the South Asian subpopulation (dbSNP rs759925647). The p.Ile298Thr change affects a poorly conserved amino acid residue located in a domain of the LEPR protein that is known to be functional. In-silico pathogenicity prediction tools (SIFT, PolyPhen2, Align GVGD, REVEL) provide contradictory results for the p.Ile298Thr substitution. Due to insufficient evidences and the lack of functional studies, the clinical significance of the p.Ile298Thr change remains unknown at this time. Biallelic mutations in LEPR are associated with leptin receptor deficiency, which is characterized by severe early onset obesity [OMIM# 614963]. Preliminary evidence suggests that heterozygous pathogenic variants in LEPR have been associated with increased susceptibility to obesity with reduced penetrance (PMID: 34448070).

NM_002303.6(LEPR):c.893T>C (p.Ile298Thr)

Gene: LEPR (leptin receptor; plus strand). Cytogenetic location: 1p31.3.
Variant type: single nucleotide variant.
Coding change: c.893T>C on transcript NM_002303.6 (MANE Select); coding-DNA position 893, T replaced by C.
Protein change: p.Ile298Thr; replaces isoleucine 298 with threonine.
Molecular consequence: missense variant.
Genome position (GRCh38, 1-based): chr1:65,598,703, T>C. VCF-style: chr1-65598703-T-C. GRCh37 (hg19) VCF-style: chr1-66064386-T-C.
Other names: c.893T>C, p.Ile298Thr (NM_001003679.3, NM_001003680.3, NM_001198687.2 and 2 more transcripts); short protein forms I298T.
Identifiers: ClinVar variation 2443162 (VCV002443162.5), dbSNP rs759925647, ClinGen allele CA894685.